The following is an entry in ClinVar:

NM_000257.4(MYH7):c.3254_3255del (p.Asp1084_Phe1085insTer)

Gene: MYH7 (myosin heavy chain 7; minus strand). Cytogenetic location: 14q11.2.
Variant type: Deletion.
Coding change: c.3254_3255del on transcript NM_000257.4 (MANE Select); coding-DNA positions 3254 to 3255, 2 bases deleted (TT; older notation c.3254_3255delTT).
Protein change: p.Asp1084_Phe1085insTer.
Molecular consequence: nonsense.
Genome position (GRCh38, 1-based): chr14:23,421,039-23,421,040, AA deleted on the plus strand (TT on the coding strand, the reverse complement: MYH7 is on the minus strand); deleting any 2 consecutive bases within chr14:23,421,039-23,421,041 gives the same sequence; the c. name uses the placement nearest the transcript's 3' end. VCF-style (leftmost placement, unchanged base first): chr14-23421038-CAA-C. GRCh37 (hg19) VCF-style: chr14-23890247-CAA-C.
Other names: c.3254_3255del, p.Asp1084_Phe1085insTer (NM_001407004.1).
Identifiers: ClinVar variation 3075214 (VCV003075214.1), dbSNP rs2502268249, ClinGen allele CA2825002218.
Genomic context (GRCh38, chr14:23,421,038, plus strand): 5'-TCTGCAGCTGGCTGCCGAGGGCCTGTTCATCCTCAATCCTTGCGTTGAGAGCATTCAGCT[CAA>C]AGTCTTTTCTGTGGGGAAGGAGGGATGGTGAGGTAAGGGAGACTCGTGGGGCCTCAGGAG-3'

ClinVar aggregate classification (germline): Uncertain significance (1 of 4 stars; one submission).

Conditions:
Cardiomyopathy (CMYO). Also called: Cardiomyopathies. Identifiers: Orphanet 167848, MedGen C0878544, MONDO:0004994, HP:0001638. Inheritance: Various modes of inheritance.

Submission:

All of Us Research Program, National Institutes of Health
Classification: Uncertain significance for Cardiomyopathy. Last evaluated: 2024-01-11. Review status: criteria provided, single submitter. Criteria: ACMG Guidelines, 2015. Collection method: clinical testing. Allele origin: germline. Inheritance: Autosomal dominant inheritance. Observed: 1 variant allele, 1 heterozygote.
Comment: This study involves interpretation of variants in research participants for the purpose of population health screening. Participant phenotype was not available at the time of variant classification. Additional details can be found in publication PMID: 35346344, PMCID: PMC8962531